The following is an entry in ClinVar:

ClinVar aggregate classification (germline): Conflicting classifications of pathogenicity. Review status: criteria provided, conflicting classifications (1 of 4 stars). 4 submissions from 4 submitters: Uncertain significance (2); Likely benign (2). Last evaluated 2026-07-01.

Conditions:
Hyperkalemic periodic paralysis. Also called: Familial hyperkalemic periodic paralysis; Gamstorp disease. Identifiers: Orphanet 682, MedGen C0238357, MONDO:0008224, OMIM 170500, HP:0007215.

Allele frequency attached by ClinVar (database versions not stated): gnomAD 0.00004 and 0.00005; ESP Exome Variant Server 0.00008; gnomAD exomes 0.00009; TOPMed 0.00009; ExAC 0.00010; 1000 Genomes Project 30x 0.00016; 1000 Genomes Project 0.00020.
gnomAD v4.1: 232 of 1,611,946 alleles (0.014%); highest among the groups gnomAD compares: Non-Finnish European, 0.019%; no homozygotes.

Submissions (4):

CeGaT Center for Human Genetics Tuebingen
Classification: Likely benign. Last evaluated: 2026-07-01. Review status: criteria provided, single submitter. Criteria: CeGaT Center For Human Genetics Tuebingen Variant Classification Criteria Version 2. Collection method: clinical testing. Allele origin: germline. Affected: yes. Observed: 1 variant allele.
Comment: SCN4A: BP4

Labcorp Genetics (formerly Invitae), Labcorp
Classification: Uncertain significance for Hyperkalemic periodic paralysis. Last evaluated: 2026-02-01. Review status: criteria provided, single submitter. Criteria: Invitae Variant Classification Sherloc (09022015). Collection method: clinical testing. Allele origin: germline.
Comment: This sequence change falls in intron 23 of the SCN4A gene. It does not directly change the encoded amino acid sequence of the SCN4A protein. It affects a nucleotide within the consensus splice site. This variant is present in population databases (rs148187651, gnomAD 0.01%). This variant has not been reported in the literature in individuals affected with SCN4A-related conditions. ClinVar contains an entry for this variant (Variation ID: 436664). Variants that disrupt the consensus splice site are a relatively common cause of aberrant splicing (PMID: 17576681, 9536098). Algorithms developed to predict the effect of sequence changes on RNA splicing suggest that this variant is not likely to affect RNA splicing. In summary, the available evidence is currently insufficient to determine the role of this variant in disease. Therefore, it has been classified as a Variant of Uncertain Significance.

GeneDx
Classification: Likely benign. Last evaluated: 2022-05-25. Review status: criteria provided, single submitter. Criteria: GeneDx Variant Classification Process June 2021. Collection method: clinical testing. Allele origin: germline. Affected: yes.
Comment: See Variant Classification Assertion Criteria.

Genetic Services Laboratory, University of Chicago
Classification: Uncertain significance. Last evaluated: 2015-09-21. Review status: criteria provided, single submitter. Criteria: ACMG Guidelines, 2015. Collection method: clinical testing. Allele origin: germline. Affected: no.

Literature cited by the submitters: PubMed 17576681 (cited by Labcorp Genetics (formerly Invitae), Labcorp); PubMed 9536098 (cited by Labcorp Genetics (formerly Invitae), Labcorp).

NM_000334.4(SCN4A):c.4288+6C>T

Genes: GH-LCR (growth hormone locus control region; plus strand), SCN4A (sodium voltage-gated channel alpha subunit 4; minus strand). Cytogenetic location: 17q23.3.
Variant type: single nucleotide variant.
Coding change: c.4288+6C>T on transcript NM_000334.4 (MANE Select); 6 bases into the intron after coding-DNA position 4288, C replaced by T.
Molecular consequence: intron variant.
Genome position (GRCh38, 1-based): chr17:63,942,820, G>A on the plus strand (C>T on the coding strand, the complement: SCN4A is on the minus strand). VCF-style: chr17-63942820-G-A. GRCh37 (hg19) VCF-style: chr17-62020180-G-A.
Identifiers: ClinVar variation 436664 (VCV000436664.19), dbSNP rs148187651, ClinGen allele CA8709022.